The following is an entry in ClinVar:

ClinVar aggregate classification (germline): Pathogenic/Likely pathogenic. Review status: criteria provided, multiple submitters, no conflicts (2 of 4 stars). 2 submissions from 2 submitters: Pathogenic (1); Likely pathogenic (1). Last evaluated 2023-11-20.

Conditions:
Congenital myotonia, autosomal dominant form (THD). Also called: THOMSEN DISEASE; Myotonia congenita autosomal dominant. Identifiers: Orphanet 614, MedGen C2936781, MONDO:0008055, OMIM 160800.
Congenital myotonia, autosomal recessive form. Also called: Becker Generalized Myotonia; myotonia congenita, autosomal recessive; BECKER DISEASE. Identifiers: Orphanet 614, MedGen C0751360, MONDO:0009715, OMIM 255700.

Submissions (2):

Labcorp Genetics (formerly Invitae), Labcorp
Classification: Pathogenic for Congenital myotonia, autosomal recessive form; Congenital myotonia, autosomal dominant form. Last evaluated: 2023-11-20. Review status: criteria provided, single submitter. Criteria: Invitae Variant Classification Sherloc (09022015). Collection method: clinical testing. Allele origin: germline.
Comment: This sequence change creates a premature translational stop signal (p.Leu637Thrfs*4) in the CLCN1 gene. It is expected to result in an absent or disrupted protein product. Loss-of-function variants in CLCN1 are known to be pathogenic (PMID: 17932099, 22094069, 23739125). This variant is not present in population databases (gnomAD no frequency). This variant has not been reported in the literature in individuals affected with CLCN1-related conditions. ClinVar contains an entry for this variant (Variation ID: 1073619). For these reasons, this variant has been classified as Pathogenic.

Revvity Omics, Revvity
Classification: Likely pathogenic. Last evaluated: 2022-07-21. Review status: criteria provided, single submitter. Criteria: ACMG Guidelines, 2015. Collection method: clinical testing. Allele origin: germline.

Literature cited by the submitters: PubMed 17932099 (cited by Labcorp Genetics (formerly Invitae), Labcorp); PubMed 22094069 (cited by Labcorp Genetics (formerly Invitae), Labcorp); PubMed 23739125 (cited by Labcorp Genetics (formerly Invitae), Labcorp).

NM_000083.3(CLCN1):c.1909_1910del (p.Leu637fs)

Gene: CLCN1 (chloride voltage-gated channel 1; plus strand). Cytogenetic location: 7q34.
Variant type: Deletion.
Coding change: c.1909_1910del on transcript NM_000083.3 (MANE Select); coding-DNA positions 1909 to 1910, 2 bases deleted (TT; older notation c.1909_1910delTT).
Protein change: p.Leu637fs; shifts the reading frame from leucine 637.
Molecular consequence: frameshift variant. On other transcripts: non-coding transcript variant (1).
Genome position (GRCh38, 1-based): chr7:143,342,484-143,342,485, TT deleted; deleting any 2 consecutive bases within chr7:143,342,483-143,342,485 gives the same sequence; the c. name uses the placement nearest the transcript's 3' end. VCF-style (leftmost placement, unchanged base first): chr7-143342482-CTT-C. GRCh37 (hg19) VCF-style: chr7-143039575-CTT-C.
Other names: short protein forms L637fs.
Identifiers: ClinVar variation 1073619 (VCV001073619.9), dbSNP rs1237554305, ClinGen allele CA834515515.